The following is an entry in ClinVar:

ClinVar aggregate classification (germline): Uncertain significance (1 of 4 stars; one submission).

gnomAD v4.1: 1 of 1,614,166 alleles (0.000062%); no homozygotes.

Submission:

Labcorp Genetics (formerly Invitae), Labcorp
Classification: Uncertain significance. Last evaluated: 2024-11-05. Review status: criteria provided, single submitter. Criteria: Invitae Variant Classification Sherloc (09022015). Collection method: clinical testing. Allele origin: germline.
Comment: This sequence change replaces isoleucine, which is neutral and non-polar, with phenylalanine, which is neutral and non-polar, at codon 553 of the AHR protein (p.Ile553Phe). This variant is not present in population databases (gnomAD no frequency). This variant has not been reported in the literature in individuals affected with AHR-related conditions. ClinVar contains an entry for this variant (Variation ID: 1490399). An algorithm developed to predict the effect of missense changes on protein structure and function (PolyPhen-2) suggests that this variant is likely to be disruptive. In summary, the available evidence is currently insufficient to determine the role of this variant in disease. Therefore, it has been classified as a Variant of Uncertain Significance.

NM_001621.5(AHR):c.1657A>T (p.Ile553Phe)

Gene: AHR (aryl hydrocarbon receptor; plus strand). Cytogenetic location: 7p21.1.
Variant type: single nucleotide variant.
Coding change: c.1657A>T on transcript NM_001621.5 (MANE Select); coding-DNA position 1657, A replaced by T.
Protein change: p.Ile553Phe; replaces isoleucine 553 with phenylalanine.
Molecular consequence: missense variant.
Genome position (GRCh38, 1-based): chr7:17,339,482, A>T. VCF-style: chr7-17339482-A-T. GRCh37 (hg19) VCF-style: chr7-17379106-A-T.
Other names: short protein forms I553F.
Identifiers: ClinVar variation 1490399 (VCV001490399.6), dbSNP rs1782394330, ClinGen allele CA366894870.